The following is an entry in ClinVar:

ClinVar aggregate classification (germline): Likely pathogenic (1 of 4 stars; one submission).

Conditions:
Gorlin syndrome. Also called: Nevoid Basal Cell Carcinoma Syndrome; Basal cell nevus syndrome. Identifiers: Orphanet 377, MedGen C0004779, MONDO:0007187.

Submission:

Labcorp Genetics (formerly Invitae), Labcorp
Classification: Likely pathogenic for Gorlin syndrome. Last evaluated: 2018-05-24. Review status: criteria provided, single submitter. Criteria: Invitae Variant Classification Sherloc (09022015). Collection method: clinical testing. Allele origin: germline.
Comment: This variant is a gross deletion of the genomic region encompassing exons 6 to 8 and part of exon 9 (c.747-57_1258del)Ã”ÂªÃ¸Â¬â€ of the PTCH1 gene. It is expected to disrupt RNA splicing and likely results in an absent or disrupted protein product. This variant is not present in population databases (ExAC no frequency). Loss-of-function variants in PTCH1 are known to be pathogenic (PMID: 16301862, 16419085). In summary, the currently available evidence indicates that the variant is pathogenic, but additional data are needed to prove that conclusively. Therefore, this variant has been classified as Likely Pathogenic.

NM_000264.5(PTCH1):c.747-54_1261del

Gene: PTCH1 (patched 1; minus strand). Cytogenetic location: 9q22.32.
Variant type: Deletion.
Coding change: c.747-54_1261del on transcript NM_000264.5 (MANE Select); 54 bases into the intron before coding-DNA position 747 through coding-DNA position 1261, 2,502 bases deleted.
Molecular consequence: splice acceptor variant, splice donor variant.
Genome position (GRCh38, 1-based): chr9:95,478,141-95,480,642, 2,502 bases deleted. GRCh37 (hg19): chr9:98,240,427-98,242,928.
Other names: c.744-54_1258del (NM_001083603.3); c.549-54_1063del (NM_001083602.3); c.747-54_1261del (NM_001354918.2); c.294-54_808del (NM_001083605.3, NM_001083604.3, NM_001083606.3 and 1 more transcripts).
Identifiers: ClinVar variation 572838 (VCV000572838.1), ClinGen allele CA891843141.